The following is an entry in ClinVar:

ClinVar aggregate classification (germline): Uncertain significance. Review status: criteria provided, multiple submitters, no conflicts (2 of 4 stars). 3 submissions from 3 submitters: Uncertain significance (3). Last evaluated 2025-09-22.

Conditions:
Inborn genetic diseases. Identifiers: MedGen C0950123, MeSH D030342.

Allele frequency attached by ClinVar (database versions not stated): ESP Exome Variant Server 0.00008.
gnomAD v4.1: 9 of 1,614,038 alleles (0.00056%); highest among the groups gnomAD compares: African/African-American, 0.012%; no homozygotes.

Submissions (3):

Ambry Genetics
Classification: Uncertain significance for Inborn genetic diseases. Last evaluated: 2025-09-22. Review status: criteria provided, single submitter. Criteria: Ambry Variant Classification Scheme 2023. Collection method: clinical testing. Allele origin: germline.

Labcorp Genetics (formerly Invitae), Labcorp
Classification: Uncertain significance. Last evaluated: 2023-10-30. Review status: criteria provided, single submitter. Criteria: Invitae Variant Classification Sherloc (09022015). Collection method: clinical testing. Allele origin: germline.
Comment: This sequence change replaces proline, which is neutral and non-polar, with alanine, which is neutral and non-polar, at codon 39 of the WDFY3 protein (p.Pro39Ala). This variant is present in population databases (rs374010591, gnomAD 0.01%). This variant has not been reported in the literature in individuals affected with WDFY3-related conditions. ClinVar contains an entry for this variant (Variation ID: 2499717). An algorithm developed to predict the effect of missense changes on protein structure and function (PolyPhen-2) suggests that this variant is likely to be tolerated. In summary, the available evidence is currently insufficient to determine the role of this variant in disease. Therefore, it has been classified as a Variant of Uncertain Significance.

GeneDx
Classification: Uncertain significance. Last evaluated: 2022-10-18. Review status: criteria provided, single submitter. Criteria: GeneDx Variant Classification Process June 2021. Collection method: clinical testing. Allele origin: germline. Affected: yes.
Comment: In silico analysis supports that this missense variant has a deleterious effect on protein structure/function; Has not been previously published as pathogenic or benign to our knowledge

NM_014991.6(WDFY3):c.115C>G (p.Pro39Ala)

Gene: WDFY3 (WD repeat and FYVE domain containing 3; minus strand). Cytogenetic location: 4q21.23.
Variant type: single nucleotide variant.
Coding change: c.115C>G on transcript NM_014991.6 (MANE Select); coding-DNA position 115, C replaced by G.
Protein change: p.Pro39Ala; replaces proline 39 with alanine.
Molecular consequence: missense variant.
Genome position (GRCh38, 1-based): chr4:84,860,477, G>C on the plus strand (C>G on the coding strand, the complement: WDFY3 is on the minus strand). VCF-style: chr4-84860477-G-C. GRCh37 (hg19) VCF-style: chr4-85781630-G-C.
Other names: short protein forms P39A.
Identifiers: ClinVar variation 2499717 (VCV002499717.5), dbSNP rs374010591, ClinGen allele CA100710088.